The following is an entry in ClinVar:

ClinVar aggregate classification (germline): Pathogenic (1 of 4 stars; one submission).

Conditions:
Pfeiffer syndrome (ACS5). Also called: ACS V. Identifiers: Orphanet 710, MedGen C0220658, MONDO:0007043, OMIM 101600.
Hypogonadotropic hypogonadism 2 with or without anosmia (HH2). Also called: HYPOGONADOTROPIC HYPOGONADISM 2 WITHOUT ANOSMIA; HYPOGONADOTROPIC HYPOGONADISM 2 WITH OR WITHOUT ANOSMIA, SUSCEPTIBILITY TO; HYPOGONADOTROPIC HYPOGONADISM 2 WITHOUT ANOSMIA, SUSCEPTIBILITY TO; FGFR1-Related GnRH Deficiency (Kallmann Syndrome 2). Identifiers: Orphanet 478, MedGen C1563720, MONDO:0007844, OMIM 147950. Disease mechanism: loss of function.

Submission:

Labcorp Genetics (formerly Invitae), Labcorp
Classification: Pathogenic for Pfeiffer syndrome; Hypogonadotropic hypogonadism 2 with or without anosmia. Last evaluated: 2022-11-01. Review status: criteria provided, single submitter. Criteria: Invitae Variant Classification Sherloc (09022015). Collection method: clinical testing. Allele origin: germline.
Comment: This variant has not been reported in the literature in individuals affected with FGFR1-related conditions. This variant is not present in population databases (gnomAD no frequency). For these reasons, this variant has been classified as Pathogenic. This sequence change creates a premature translational stop signal (p.Arg209Valfs*8) in the FGFR1 gene. It is expected to result in an absent or disrupted protein product. Loss-of-function variants in FGFR1 are known to be pathogenic (PMID: 12627230).

Literature cited by the submitters: PubMed 12627230.

NM_023110.3(FGFR1):c.625del (p.Arg209fs)

Gene: FGFR1 (fibroblast growth factor receptor 1; minus strand). Cytogenetic location: 8p11.23.
Variant type: Deletion.
Coding change: c.625del on transcript NM_023110.3 (MANE Select); coding-DNA position 625, one base deleted (C; older notation c.625delC).
Protein change: p.Arg209fs; shifts the reading frame from arginine 209.
Molecular consequence: frameshift variant.
Genome position (GRCh38, 1-based): chr8:38,426,242, G deleted on the plus strand (C on the coding strand, the reverse complement: FGFR1 is on the minus strand); the first of 2 consecutive G bases (chr8:38,426,242-38,426,243); deleting either gives the same sequence. VCF-style (leftmost placement, unchanged base first): chr8-38426241-CG-C. GRCh37 (hg19) VCF-style: chr8-38283759-CG-C.
Other names: c.624delC, p.Arg209Valfs (NM_000604.2); c.625del, p.Arg209fs (NM_001174063.2); c.601del, p.Arg201fs (NM_001174064.2); c.619del, p.Arg207fs (NM_001174065.2, NM_001354367.2, NM_001354369.2 and 1 more transcripts); c.358del, p.Arg120fs (NM_001174066.2, NM_023105.3); c.718del, p.Arg240fs (NM_001174067.2); c.352del, p.Arg118fs (NM_001354368.2, NM_001354370.2, NM_023106.3); c.618delC, p.Arg207Valfs (NM_001410922.1); short protein forms R118fs, R207fs, R120fs, R209fs, R201fs, R240fs.
Identifiers: ClinVar variation 2011123 (VCV002011123.4), dbSNP rs2537141455, ClinGen allele CA2580078235.